The following is an entry in ClinVar:

ClinVar aggregate classification (germline): Uncertain significance (1 of 4 stars; one submission).

gnomAD v4.1: 2 of 1,612,568 alleles (0.00012%); highest among the groups gnomAD compares: East Asian, 0.0022%; no homozygotes.

Submission:

GeneDx
Classification: Uncertain significance. Last evaluated: 2024-05-30. Review status: criteria provided, single submitter. Criteria: GeneDx Variant Classification Process June 2021. Collection method: clinical testing. Allele origin: germline. Affected: yes.
Comment: Not observed at significant frequency in large population cohorts (gnomAD); In silico analysis supports that this missense variant has a deleterious effect on protein structure/function; Has not been previously published as pathogenic or benign to our knowledge; This variant is associated with the following publications: (PMID: 22965130, 24388491, 25439726)

NM_002180.3(IGHMBP2):c.1609G>A (p.Val537Met)

Genes: IGHMBP2 (immunoglobulin mu DNA binding protein 2; plus strand), LOC126861245 (CDK7 strongly-dependent group 2 enhancer GRCh37_chr11:68701479-68702678; plus strand). Cytogenetic location: 11q13.3.
Variant type: single nucleotide variant.
Coding change: c.1609G>A on transcript NM_002180.3 (MANE Select); coding-DNA position 1609, G replaced by A.
Protein change: p.Val537Met; replaces valine 537 with methionine.
Molecular consequence: missense variant.
Genome position (GRCh38, 1-based): chr11:68,934,535, G>A. VCF-style: chr11-68934535-G-A. GRCh37 (hg19) VCF-style: chr11-68702003-G-A.
Other names: short protein forms V537M.
Identifiers: ClinVar variation 3383746 (VCV003383746.1).
Genomic context (GRCh38, chr11:68,934,535, plus strand): 5'-CTCGTCAGTTTGCACATCCAGGCTCTGGTGGACGCTGGTGTTCCAGCCCGTGACATTGCT[G>A]TGGTCTCGCCATACAACCTCCAGGTACGAGGGTTTCCTTTTGTCCCTCTACAGAGCAGCT-3'
Protein context (NP_002171.2, residues 527-547): DAGVPARDIA[Val537Met]VSPYNLQVDL